The following is an entry in ClinVar:

NM_001137608.3(ZNF732):c.831C>G (p.Pro277=)

Gene: ZNF732 (zinc finger protein 732; minus strand). Cytogenetic location: 4p16.3.
Variant type: single nucleotide variant.
Coding change: c.831C>G on transcript NM_001137608.3 (MANE Select); coding-DNA position 831, C replaced by G.
Protein change: p.Pro277=; no amino-acid change (proline 277 retained).
Molecular consequence: synonymous variant.
Genome position (GRCh38, 1-based): chr4:272,026, G>C on the plus strand (C>G on the coding strand, the complement: ZNF732 is on the minus strand). VCF-style: chr4-272026-G-C. GRCh37 (hg19) VCF-style: chr4-265815-G-C.
Identifiers: ClinVar variation 3898141 (VCV003898141.7).

ClinVar aggregate classification (germline): Likely benign (1 of 4 stars; one submission).

gnomAD v4.1: 390 of 1,610,120 alleles (0.024%); highest among the groups gnomAD compares: Middle Eastern, 0.89%; no homozygotes.

Submission:

CeGaT Center for Human Genetics Tuebingen
Classification: Likely benign. Last evaluated: 2025-04-01. Review status: criteria provided, single submitter. Criteria: CeGaT Center For Human Genetics Tuebingen Variant Classification Criteria Version 2. Collection method: clinical testing. Allele origin: germline. Affected: yes. Observed: 1 variant allele.
Comment: ZNF732: BP4, BP7